The following is an entry in ClinVar:

NM_000070.3(CAPN3):c.1537-29A>G

Gene: CAPN3 (calpain 3; plus strand). Cytogenetic location: 15q15.1.
Variant type: single nucleotide variant.
Coding change: c.1537-29A>G on transcript NM_000070.3 (MANE Select); 29 bases into the intron before coding-DNA position 1537, A replaced by G.
Molecular consequence: intron variant.
Genome position (GRCh38, 1-based): chr15:42,402,765, A>G. VCF-style: chr15-42402765-A-G. GRCh37 (hg19) VCF-style: chr15-42694963-A-G.
Other names: c.1537-29A>G (NM_024344.2); c.1393-29A>G (NM_173087.2); c.1-29A>G (NM_173088.2).
Identifiers: ClinVar variation 4856214 (VCV004856214.1).

ClinVar aggregate classification (germline): Uncertain significance (1 of 4 stars; one submission).

Conditions:
Autosomal recessive limb-girdle muscular dystrophy type 2A (LGMDR1). Also called: LEYDEN-MOEBIUS MUSCULAR DYSTROPHY; MUSCULAR DYSTROPHY, PELVOFEMORAL; Limb-girdle muscular dystrophy, type 2A; Muscular dystrophy, limb-girdle, type 2A, Amish; Calpainopathy. Identifiers: Orphanet 267, MedGen C1869123, MONDO:0009675, OMIM 253600. Disease mechanism: loss of function.

Submission:

3billion
Classification: Uncertain significance for Autosomal recessive limb-girdle muscular dystrophy type 2A. Last evaluated: 2025-06-26. Review status: criteria provided, single submitter. Criteria: ACMG Guidelines, 2015. Collection method: clinical testing. Allele origin: germline. Affected: yes.
Comment: The variant is not observed in the gnomAD v4.1.0 dataset. Predicted Consequence/Location: Intron variant The variant has been reported to be associated with CAPN3-related disorder (PMID: 32994280). Therefore, this variant is classified as VUS according to the recommendation of ACMG/AMP guideline.

Literature cited by the submitters: PubMed 32994280.